The following is an entry in ClinVar:

ClinVar aggregate classification (germline): Uncertain significance (1 of 4 stars; one submission).

Conditions:
Cardiomyopathy (CMYO). Also called: Cardiomyopathies. Identifiers: Orphanet 167848, MedGen C0878544, MONDO:0004994, HP:0001638. Inheritance: Various modes of inheritance.

Allele frequency attached by ClinVar (database versions not stated): gnomAD exomes below 0.00001.
gnomAD v4.1: 2 of 1,614,004 alleles (0.00012%); highest among the groups gnomAD compares: East Asian, 0.0045%; no homozygotes.

Submission:

Color Diagnostics, LLC DBA Color Health
Classification: Uncertain significance for Cardiomyopathy. Last evaluated: 2023-12-05. Review status: criteria provided, single submitter. Criteria: ACMG Guidelines, 2015. Collection method: clinical testing. Allele origin: germline.
Comment: This missense variant replaces methionine with threonine at codon 4292 of the RYR2 protein. Computational prediction tools and conservation analyses suggest that this variant may not impact the protein function. Computational splicing tools suggest that this variant may not impact RNA splicing. To our knowledge, functional assays have not been performed for this variant nor has this variant been reported in individuals affected with cardiovascular disorders in the literature. This variant has not been identified in the general population by the Genome Aggregation Database (gnomAD). Available evidence is insufficient to determine the role of this variant in disease conclusively. Therefore, this variant is classified as a Variant of Uncertain Significance.

NM_001035.3(RYR2):c.12875T>C (p.Met4292Thr)

Genes: RYR2 (ryanodine receptor 2; plus strand), LOC126806068 (BRD4-independent group 4 enhancer GRCh37_chr1:237947411-237948610; plus strand). Cytogenetic location: 1q43.
Variant type: single nucleotide variant.
Coding change: c.12875T>C on transcript NM_001035.3 (MANE Select); coding-DNA position 12875, T replaced by C.
Protein change: p.Met4292Thr; replaces methionine 4292 with threonine.
Molecular consequence: missense variant.
Genome position (GRCh38, 1-based): chr1:237,784,587, T>C. VCF-style: chr1-237784587-T-C. GRCh37 (hg19) VCF-style: chr1-237947887-T-C.
Other names: short protein forms M4292T.
Identifiers: ClinVar variation 921588 (VCV000921588.5), dbSNP rs1695396981, ClinGen allele CA345414540.